The following is an entry in ClinVar:

NM_003640.5(ELP1):c.180del (p.Gly61fs)

Gene: ELP1 (elongator acetyltransferase complex subunit 1; minus strand). Cytogenetic location: 9q31.3.
Variant type: Deletion.
Coding change: c.180del on transcript NM_003640.5 (MANE Select); coding-DNA position 180, one base deleted (A; older notation c.180delA).
Protein change: p.Gly61fs; shifts the reading frame from glycine 61.
Molecular consequence: frameshift variant. On other transcripts: 5 prime UTR variant (2).
Genome position (GRCh38, 1-based): chr9:108,929,892, T deleted on the plus strand (A on the coding strand, the reverse complement: ELP1 is on the minus strand); the first of 2 consecutive T bases (chr9:108,929,892-108,929,893); deleting either gives the same sequence. VCF-style (leftmost placement, unchanged base first): chr9-108929891-CT-C. GRCh37 (hg19) VCF-style: chr9-111692171-CT-C.
Other names: c.-163del (NM_001318360.2); c.-680del (NM_001330749.2); short protein forms G61fs.
Identifiers: ClinVar variation 4813678 (VCV004813678.1).

ClinVar aggregate classification (germline): Likely pathogenic (1 of 4 stars; one submission).

Conditions:
Medulloblastoma (MDB). Also called: MEDULLOBLASTOMA PREDISPOSITION SYNDROME; Medulloblastoma, somatic. Identifiers: Orphanet 616, MedGen C0025149, MeSH D008527, MONDO:0007959, OMIM 155255, HP:0002885.

Submission:

Zero Childhood Cancer Program, Children's Cancer Institute
Classification: Likely pathogenic for Medulloblastoma. Last evaluated: 2026-03-03. Review status: criteria provided, single submitter. Criteria: Zero Childhood Cancer Program Assertion Criteria November2025. Collection method: research. Allele origin: germline. Inheritance: Autosomal dominant inheritance. Affected: no.
Comment: The c.180del (p.Gly61AlafsTer48) variant in ELP1 is a frameshift variant predicted to cause a premature stop codon in exon 3 of 37 leading to nonsense mediated decay in a gene in which loss-of-function is an established disease mechanism (PVS1; PMID: 18303054, 32296180). This variant is absent in gnomAD v4 (PM2_Supporting). For these reasons, this variant has been classified as likely pathogenic.

Literature cited by the submitters: PubMed 18303054; PubMed 32296180.